The following is an entry in ClinVar:

NM_001303256.3(MORC2):c.518A>G (p.Tyr173Cys)

Gene: MORC2 (MORC family CW-type zinc finger 2; minus strand). Cytogenetic location: 22q12.2.
Variant type: single nucleotide variant.
Coding change: c.518A>G on transcript NM_001303256.3 (MANE Select); coding-DNA position 518, A replaced by G.
Protein change: p.Tyr173Cys; replaces tyrosine 173 with cysteine.
Molecular consequence: missense variant.
Genome position (GRCh38, 1-based): chr22:30,942,180, T>C on the plus strand (A>G on the coding strand, the complement: MORC2 is on the minus strand). VCF-style: chr22-30942180-T-C. GRCh37 (hg19) VCF-style: chr22-31338167-T-C.
Other names: c.332A>G, p.Tyr111Cys (NM_014941.3); c.518A>G, p.Tyr173Cys (NM_001303257.2); short protein forms Y111C, Y173C.
Identifiers: ClinVar variation 3008788 (VCV003008788.3), dbSNP rs144248516, ClinGen allele CA411243726.

ClinVar aggregate classification (germline): Uncertain significance (1 of 4 stars; one submission).

Conditions:
Charcot-Marie-Tooth disease axonal type 2Z. Also called: CHARCOT-MARIE-TOOTH DISEASE, AXONAL, AUTOSOMAL DOMINANT, TYPE 2Z; CHARCOT-MARIE-TOOTH NEUROPATHY, TYPE 2Z. Identifiers: Orphanet 466768, MedGen C5569025, MONDO:0014736, OMIM 616688.

Submission:

Labcorp Genetics (formerly Invitae), Labcorp
Classification: Uncertain significance for Charcot-Marie-Tooth disease axonal type 2Z. Last evaluated: 2022-12-20. Review status: criteria provided, single submitter. Criteria: Invitae Variant Classification Sherloc (09022015). Collection method: clinical testing. Allele origin: germline.
Comment: In summary, the available evidence is currently insufficient to determine the role of this variant in disease. Therefore, it has been classified as a Variant of Uncertain Significance. Algorithms developed to predict the effect of sequence changes on RNA splicing suggest that this variant may create or strengthen a splice site. Advanced modeling of protein sequence and biophysical properties (such as structural, functional, and spatial information, amino acid conservation, physicochemical variation, residue mobility, and thermodynamic stability) performed at Invitae indicates that this missense variant is expected to disrupt MORC2 protein function. This variant has not been reported in the literature in individuals affected with MORC2-related conditions. This variant is not present in population databases (gnomAD no frequency). This sequence change replaces tyrosine, which is neutral and polar, with cysteine, which is neutral and slightly polar, at codon 173 of the MORC2 protein (p.Tyr173Cys).